The following is an entry in ClinVar:

ClinVar aggregate classification (germline): Uncertain significance (1 of 4 stars; one submission).

Submission:

Mayo Clinic Laboratories, Mayo Clinic
Classification: Uncertain significance. Last evaluated: 2023-05-05. Review status: criteria provided, single submitter. Criteria: ACMG Guidelines, 2015. Collection method: clinical testing. Allele origin: germline. Observed: 1 variant allele.
Comment: PM2

NM_025243.4(SLC19A3):c.307G>A (p.Val103Met)

Gene: SLC19A3 (solute carrier family 19 member 3; minus strand). Cytogenetic location: 2q36.3.
Variant type: single nucleotide variant.
Coding change: c.307G>A on transcript NM_025243.4 (MANE Select); coding-DNA position 307, G replaced by A.
Protein change: p.Val103Met; replaces valine 103 with methionine.
Molecular consequence: missense variant.
Genome position (GRCh38, 1-based): chr2:227,699,408, C>T on the plus strand (G>A on the coding strand, the complement: SLC19A3 is on the minus strand). VCF-style: chr2-227699408-C-T. GRCh37 (hg19) VCF-style: chr2-228564124-C-T.
Other names: p.Val103Met; c.307G>A, p.Val103Met (NM_001371411.1, NM_001371412.1); c.295G>A, p.Val99Met (NM_001371413.1, NM_001371414.1); short protein forms V103M, V99M.
Identifiers: ClinVar variation 2682817 (VCV002682817.1), dbSNP rs1327117771, ClinGen allele CA350877497.
Genomic context (GRCh38, chr2:227,699,408, plus strand): 5'-AGGCCACCTCGGCGGCGGTGACCATCCCATAGAAGAACTCTACAACCTGCATGGTCTTCA[C>T]TCCTTGGCCAAACAACAGCAGCAGCCAGGTAATGATGAAACTGATACCTTGCAAGATGAT-3'
Protein context (NP_079519.1, residues 93-113): TWLLLLFGQG[Val103Met]KTMQVVEFFY